The following is an entry in ClinVar:

ClinVar aggregate classification (germline): Benign/Likely benign. Review status: criteria provided, multiple submitters, no conflicts (2 of 4 stars). 2 submissions from 2 submitters: Benign (1); Likely benign (1). Last evaluated 2024-08-28.

Conditions:
Familial cancer of breast. Also called: BREAST CANCER, FAMILIAL; Hereditary breast cancer; hereditary breast carcinoma. Identifiers: Orphanet 227535, MedGen C0346153, MONDO:0016419, OMIM 114480. Disease mechanism: loss of function.
Hereditary cancer-predisposing syndrome. Also called: Hereditary Cancer Syndrome; Tumor predisposition; Hereditary neoplastic syndrome; Neoplastic Syndromes, Hereditary. Identifiers: Orphanet 140162, MedGen C0027672, MeSH D009386, MONDO:0015356.

Submissions (2):

Myriad Genetics, Inc.
Classification: Benign for Familial cancer of breast. Last evaluated: 2024-08-28. Review status: criteria provided, single submitter. Criteria: Myriad Autosomal Dominant, Autosomal Recessive and X-Linked Classification Criteria (2023). Collection method: clinical testing. Allele origin: unknown.
Comment: This variant is considered benign. This variant is a silent/synonymous amino acid change and it is not expected to impact splicing.

Ambry Genetics
Classification: Likely benign for Hereditary cancer-predisposing syndrome. Last evaluated: 2024-05-05. Review status: criteria provided, single submitter. Criteria: Ambry Variant Classification Scheme 2023. Collection method: clinical testing. Allele origin: germline.

NM_032043.3(BRIP1):c.1611T>G (p.Leu537=)

Gene: BRIP1 (BRCA1 interacting DNA helicase 1; minus strand). Cytogenetic location: 17q23.2.
Variant type: single nucleotide variant.
Coding change: c.1611T>G on transcript NM_032043.3 (MANE Select); coding-DNA position 1611, T replaced by G.
Protein change: p.Leu537=; no amino-acid change (leucine 537 retained).
Molecular consequence: synonymous variant.
Genome position (GRCh38, 1-based): chr17:61,784,287, A>C on the plus strand (T>G on the coding strand, the complement: BRIP1 is on the minus strand). VCF-style: chr17-61784287-A-C. GRCh37 (hg19) VCF-style: chr17-59861648-A-C.
Identifiers: ClinVar variation 3261814 (VCV003261814.2).